The following is an entry in ClinVar:

ClinVar aggregate classification (germline): Uncertain significance. Review status: criteria provided, multiple submitters, no conflicts (2 of 4 stars). 5 submissions from 5 submitters: Uncertain significance (3). 2 of the submissions do not count toward it. Last evaluated 2025-04-09.

Conditions:
Familial ovarian cancer. Identifiers: MedGen C5679802, MONDO:0016248.
Fanconi anemia (FA). Also called: Fanconi's anemia. Identifiers: Orphanet 84, MedGen C0015625, MeSH D005199, MONDO:0019391.
Hereditary cancer-predisposing syndrome. Also called: Neoplastic Syndromes, Hereditary; Tumor predisposition; Hereditary Cancer Syndrome; Hereditary neoplastic syndrome. Identifiers: Orphanet 140162, MedGen C0027672, MeSH D009386, MONDO:0015356.

Allele frequency attached by ClinVar (database versions not stated): gnomAD exomes below 0.00001; gnomAD 0.00001.
gnomAD v4.1: 5 of 1,614,000 alleles (0.00031%); highest among the groups gnomAD compares: African/African-American, 0.0013%; no homozygotes.

Submissions (5):

Ambry Genetics
Classification: Uncertain significance for Hereditary cancer-predisposing syndrome. Last evaluated: 2025-04-09. Review status: criteria provided, single submitter. Criteria: Ambry Variant Classification Scheme 2023. Collection method: clinical testing. Allele origin: germline.
Comment: The p.I523T variant (also known as c.1568T>C), located in coding exon 14 of the FANCC gene, results from a T to C substitution at nucleotide position 1568. The isoleucine at codon 523 is replaced by threonine, an amino acid with similar properties. This alteration has been reported in individuals who underwent hereditary breast and ovarian cancer syndrome testing based on personal and/or family history (Thompson ER et al. PLoS Genet, 2012 Sep;8:e1002894; Lerner-Ellis J et al. J Cancer Res Clin Oncol, 2021 Mar;147:871-879). This amino acid position is not well conserved in available vertebrate species. In addition, this alteration is predicted to be tolerated by in silico analysis. Since supporting evidence is limited at this time, the clinical significance of this alteration remains unclear.

Sema4
Classification: Uncertain significance for Fanconi anemia. Last evaluated: 2021-11-26. Review status: criteria provided, single submitter. Criteria: Sema4 Curation Guidelines. Collection method: curation. Allele origin: germline.
Comment: The FANCC c.1568T>C (p.I523T) variant has not been reported in the literature to our knowledge. It was not observed in the large and broad cohorts of the Genome Aggregation Database (PMID: 32461654). The variant has been reported in ClinVar (Variation ID: 526329). Functional studies have not been performed, and in silico predictions of the variant's effect on protein function are inconclusive. The evidence is insufficient to meet ACMG/AMP criteria for classifying the variant as benign or pathogenic. Thus, the clinical significance of this variant is currently uncertain.

Labcorp Genetics (formerly Invitae), Labcorp
Classification: Uncertain significance for Fanconi anemia. Last evaluated: 2021-08-27. Review status: criteria provided, single submitter. Criteria: Invitae Variant Classification Sherloc (09022015). Collection method: clinical testing. Allele origin: germline.
Comment: This sequence change replaces isoleucine with threonine at codon 523 of the FANCC protein (p.Ile523Thr). The isoleucine residue is weakly conserved and there is a moderate physicochemical difference between isoleucine and threonine. This variant is not present in population databases (ExAC no frequency). This variant has not been reported in the literature in individuals affected with FANCC-related conditions. Algorithms developed to predict the effect of missense changes on protein structure and function output the following: SIFT: "Tolerated"; PolyPhen-2: "Benign"; Align-GVGD: "Class C0". The threonine amino acid residue is found in multiple mammalian species, which suggests that this missense change does not adversely affect protein function. In summary, the available evidence is currently insufficient to determine the role of this variant in disease. Therefore, it has been classified as a Variant of Uncertain Significance.

Natera, Inc.
Classification: Uncertain significance for Fanconi anemia. Last evaluated: 2021-01-11. Review status: no assertion criteria provided. Collection method: clinical testing. Allele origin: germline. Not counted in ClinVar's aggregate classification.

Department of Pathology and Laboratory Medicine, Sinai Health System
Classification: Uncertain significance for Familial ovarian cancer. Review status: no assertion criteria provided. Collection method: clinical testing. Allele origin: unknown. Affected: yes. Observed: 1 variant allele. Study: The Canadian Open Genetics Repository (COGR). Not counted in ClinVar's aggregate classification.
Comment: The FANCC p.Ile523Thr variant was not identified in the literature nor was it identified in the dbSNP, or LOVD 3.0, databases. The variant was only identified in ClinVar (classified as uncertain significance by Invitae). The variant was not identified in the following control databases: the Exome Aggregation Consortium (August 8th 2016), or the Genome Aggregation Database (Feb 27, 2017). The p.Ile523 residue is not conserved in mammals and four out of five computational analyses (PolyPhen-2, SIFT, AlignGVGD, BLOSUM, MutationTaster) do not suggest a high likelihood of impact to the protein; however, this information is not predictive enough to rule out pathogenicity. The variant occurs outside of the splicing consensus sequence and in silico or computational prediction software programs (SpliceSiteFinder, MaxEntScan, NNSPLICE, GeneSplicer) do not predict a difference in splicing. In summary, based on the above information the clinical significance of this variant cannot be determined with certainty at this time. This variant is classified as a variant of uncertain significance.

Literature cited by the submitters: PubMed 23028338 (cited by Ambry Genetics); PubMed 32885271 (cited by Ambry Genetics).

NM_000136.3(FANCC):c.1568T>C (p.Ile523Thr)

Genes: AOPEP (aminopeptidase O (putative); plus strand), FANCC (FA complementation group C; minus strand). Cytogenetic location: 9q22.32.
Variant type: single nucleotide variant.
Coding change: c.1568T>C on transcript NM_000136.3 (MANE Select); coding-DNA position 1568, T replaced by C.
Protein change: p.Ile523Thr; replaces isoleucine 523 with threonine.
Molecular consequence: missense variant.
Genome position (GRCh38, 1-based): chr9:95,101,816, A>G on the plus strand (T>C on the coding strand, the complement: FANCC is on the minus strand). VCF-style: chr9-95101816-A-G. GRCh37 (hg19) VCF-style: chr9-97864098-A-G.
Other names: c.1568T>C, p.Ile523Thr (NM_001243743.2); short protein forms I523T.
Identifiers: ClinVar variation 526329 (VCV000526329.11), dbSNP rs1554827151, ClinGen allele CA374104701.
Genomic context (GRCh38, chr9:95,101,816, plus strand): 5'-GATCTAGGGCTTTCAATGCCAAGACGATTCCATCTGTACAAGGTCTGGTCAAGAAAGCCA[A>G]TGATCTCGTGAGTTATCTCAGCAGTGTGAGCCATCTGCAATCAGGACAGAAGAGAAGGCA-3'
Protein context (NP_000127.2, residues 513-533): AHTAEITHEI[Ile523Thr]GFLDQTLYRW